The following is an entry in ClinVar:

NM_014014.5(SNRNP200):c.2839C>A (p.Pro947Thr)

Gene: SNRNP200 (small nuclear ribonucleoprotein U5 subunit 200; minus strand). Cytogenetic location: 2q11.2.
Variant type: single nucleotide variant.
Coding change: c.2839C>A on transcript NM_014014.5 (MANE Select); coding-DNA position 2839, C replaced by A.
Protein change: p.Pro947Thr; replaces proline 947 with threonine.
Molecular consequence: missense variant.
Genome position (GRCh38, 1-based): chr2:96,289,900, G>T on the plus strand (C>A on the coding strand, the complement: SNRNP200 is on the minus strand). VCF-style: chr2-96289900-G-T. GRCh37 (hg19) VCF-style: chr2-96955638-G-T.
Other names: short protein forms P947T.
Identifiers: ClinVar variation 1524518 (VCV001524518.6), dbSNP rs886056462, ClinGen allele CA347674960.

ClinVar aggregate classification (germline): Uncertain significance (1 of 4 stars; one submission).

Submission:

Labcorp Genetics (formerly Invitae), Labcorp
Classification: Uncertain significance. Last evaluated: 2023-04-04. Review status: criteria provided, single submitter. Criteria: Invitae Variant Classification Sherloc (09022015). Collection method: clinical testing. Allele origin: germline.
Comment: ClinVar contains an entry for this variant (Variation ID: 1524518). This variant has not been reported in the literature in individuals affected with SNRNP200-related conditions. This variant is not present in population databases (gnomAD no frequency). This sequence change replaces proline, which is neutral and non-polar, with threonine, which is neutral and polar, at codon 947 of the SNRNP200 protein (p.Pro947Thr). In summary, the available evidence is currently insufficient to determine the role of this variant in disease. Therefore, it has been classified as a Variant of Uncertain Significance. Advanced modeling of protein sequence and biophysical properties (such as structural, functional, and spatial information, amino acid conservation, physicochemical variation, residue mobility, and thermodynamic stability) performed at Invitae indicates that this missense variant is not expected to disrupt SNRNP200 protein function.